The following is an entry in ClinVar:

NM_025144.4(ALPK1):c.2329A>G (p.Thr777Ala)

Gene: ALPK1 (alpha kinase 1; plus strand). Cytogenetic location: 4q25.
Variant type: single nucleotide variant.
Coding change: c.2329A>G on transcript NM_025144.4 (MANE Select); coding-DNA position 2329, A replaced by G.
Protein change: p.Thr777Ala; replaces threonine 777 with alanine.
Molecular consequence: missense variant.
Genome position (GRCh38, 1-based): chr4:112,431,876, A>G. VCF-style: chr4-112431876-A-G. GRCh37 (hg19) VCF-style: chr4-113353032-A-G.
Other names: c.2329A>G, p.Thr777Ala (NM_001102406.2); c.2095A>G, p.Thr699Ala (NM_001253884.2); short protein forms T699A, T777A.
Identifiers: ClinVar variation 2042214 (VCV002042214.3), dbSNP rs375549477, ClinGen allele CA3046906.

ClinVar aggregate classification (germline): Uncertain significance (1 of 4 stars; one submission).

Allele frequency attached by ClinVar (database versions not stated): gnomAD 0.00001; ExAC 0.00002; gnomAD exomes 0.00003; TOPMed 0.00003; ESP Exome Variant Server 0.00008.
gnomAD v4.1: 43 of 1,613,900 alleles (0.0027%); highest among the groups gnomAD compares: Admixed American, 0.0033%; no homozygotes.

Submission:

Labcorp Genetics (formerly Invitae), Labcorp
Classification: Uncertain significance. Last evaluated: 2024-12-12. Review status: criteria provided, single submitter. Criteria: Invitae Variant Classification Sherloc (09022015). Collection method: clinical testing. Allele origin: germline.
Comment: This sequence change replaces threonine, which is neutral and polar, with alanine, which is neutral and non-polar, at codon 777 of the ALPK1 protein (p.Thr777Ala). This variant is present in population databases (rs375549477, gnomAD 0.006%). This variant has not been reported in the literature in individuals affected with ALPK1-related conditions. ClinVar contains an entry for this variant (Variation ID: 2042214). Invitae Evidence Modeling of protein sequence and biophysical properties (such as structural, functional, and spatial information, amino acid conservation, physicochemical variation, residue mobility, and thermodynamic stability) indicates that this missense variant is not expected to disrupt ALPK1 protein function with a negative predictive value of 80%. In summary, the available evidence is currently insufficient to determine the role of this variant in disease. Therefore, it has been classified as a Variant of Uncertain Significance.